The following is an entry in ClinVar:

NM_000719.7(CACNA1C):c.4745A>G (p.Asn1582Ser)

Gene: CACNA1C (calcium voltage-gated channel subunit alpha1 C; plus strand). Cytogenetic location: 12p13.33.
Variant type: single nucleotide variant.
Coding change: c.4745A>G on transcript NM_000719.7 (MANE Select); coding-DNA position 4745, A replaced by G.
Protein change: p.Asn1582Ser; replaces asparagine 1582 with serine.
Molecular consequence: missense variant.
Genome position (GRCh38, 1-based): chr12:2,674,559, A>G. VCF-style: chr12-2674559-A-G. GRCh37 (hg19) VCF-style: chr12-2783725-A-G.
Other names: c.4889A>G, p.Asn1630Ser (NM_001129827.2, NM_199460.4); c.4868A>G, p.Asn1623Ser (NM_001129829.2); c.4745A>G, p.Asn1582Ser (NM_001129830.3, NM_001129840.2, NM_001129841.2 and 4 more transcripts); c.4829A>G, p.Asn1610Ser (NM_001129831.2); c.4805A>G, p.Asn1602Ser (NM_001129832.2); c.4802A>G, p.Asn1601Ser (NM_001129833.2, NM_001129834.2, NM_001129835.2); c.4796A>G, p.Asn1599Ser (NM_001129836.2); c.4769A>G, p.Asn1590Ser (NM_001129837.2, NM_001129838.2); and 3 more; short protein forms N1571S, N1579S, N1582S, N1588S, N1590S, N1599S, N1601S, N1602S.
Identifiers: ClinVar variation 4531158 (VCV004531158.1).

ClinVar aggregate classification (germline): Uncertain significance (1 of 4 stars; one submission).

Submission:

GeneDx
Classification: Uncertain significance. Last evaluated: 2025-05-24. Review status: criteria provided, single submitter. Criteria: GeneDx Variant Classification Process June 2021. Collection method: clinical testing. Allele origin: germline. Affected: yes.
Comment: Not observed at significant frequency in large population cohorts (gnomAD); In silico analysis supports that this missense variant has a deleterious effect on protein structure/function; Has not been previously published as pathogenic or benign to our knowledge